The following is an entry in ClinVar:

ClinVar aggregate classification (germline): Pathogenic (1 of 4 stars; one submission).

Submission:

Labcorp Genetics (formerly Invitae), Labcorp
Classification: Pathogenic. Last evaluated: 2023-08-10. Review status: criteria provided, single submitter. Criteria: Invitae Variant Classification Sherloc (09022015). Collection method: clinical testing. Allele origin: germline.
Comment: A similar copy number variant has been observed in individual(s) with clinical features of oculocutaneous albinism (PMID: 24118800). This variant is a gross deletion of the genomic region encompassing exon(s) 5 of the OCA2 gene. This deletion is out-of-frame, and is expected to create a premature termination codon and result in an absent or disrupted protein product. Loss-of-function variants in OCA2 are known to be pathogenic (PMID: 19865097, 21541274). For these reasons, this variant has been classified as Pathogenic.

Literature cited by the submitters: PubMed 24118800; PubMed 19865097; PubMed 21541274.

NC_000015.9:g.(?_28269971)_(28270068_?)del

Gene: OCA2 (OCA2 melanosomal transmembrane protein; minus strand). Cytogenetic location: 15q13.1.
Variant type: Deletion.
Identifiers: ClinVar variation 1370460 (VCV001370460.5).